The following is an entry in ClinVar:

NM_001145809.2(MYH14):c.988_989delinsCT (p.Glu330Leu)

Gene: MYH14 (myosin heavy chain 14; plus strand). Cytogenetic location: 19q13.33.
Variant type: Indel.
Coding change: c.988_989delinsCT on transcript NM_001145809.2 (MANE Select); coding-DNA positions 988 to 989, GA replaced by CT.
Protein change: p.Glu330Leu; replaces glutamic acid 330 with leucine.
Molecular consequence: missense variant.
Genome position (GRCh38, 1-based): chr19:50,231,944-50,231,945, GA replaced by CT. VCF-style: chr19-50231944-GA-CT. GRCh37 (hg19) VCF-style: chr19-50735201-GA-CT.
Other names: c.988_989delinsCT, p.Glu330Leu (NM_001077186.2); c.964_965delinsCT, p.Glu322Leu (NM_024729.4); short protein forms E322L, E330L.
Identifiers: ClinVar variation 1707412 (VCV001707412.2), dbSNP rs2514324110, ClinGen allele CA2580097593.

ClinVar aggregate classification (germline): Uncertain significance (1 of 4 stars; one submission).

Conditions:
Primary dilated cardiomyopathy (DCM). Also called: Dilated Cardiomyopathy. Identifiers: Orphanet 217604, MedGen C0007193, MeSH D002311, MONDO:0005021, HP:0001644. Inheritance: Various modes of inheritance.

Submission:

Wangler Lab, Baylor College of Medicine
Classification: Uncertain significance for Primary dilated cardiomyopathy. Review status: criteria provided, single submitter. Criteria: ACMG Guidelines, 2015. Collection method: clinical testing. Allele origin: unknown. Affected: yes. Observed: 1 heterozygote.
Comment: This indel variant in MYH14 results in (p.Glu330Leu).This change was seen on exome through the Texome Project (R01HG011795). It is predicted to be deleterious and is highly conserved (PP3). This change is not seen on population databases of healthy individuals (PM2). We classify this variant to have uncertain significance.